The following is an entry in ClinVar:

NM_004006.3(DMD):c.2084T>C (p.Leu695Pro)

Gene: DMD (dystrophin; minus strand). Cytogenetic location: Xp21.1.
Variant type: single nucleotide variant.
Coding change: c.2084T>C on transcript NM_004006.3 (MANE Select); coding-DNA position 2084, T replaced by C.
Protein change: p.Leu695Pro; replaces leucine 695 with proline.
Molecular consequence: missense variant.
Genome position (GRCh38, 1-based): chrX:32,545,243, A>G on the plus strand (T>C on the coding strand, the complement: DMD is on the minus strand). VCF-style: chrX-32545243-A-G. GRCh37 (hg19) VCF-style: chrX-32563360-A-G.
Other names: c.2060T>C, p.Leu687Pro (NM_000109.4); c.2072T>C, p.Leu691Pro (NM_004009.3); c.1715T>C, p.Leu572Pro (NM_004010.3); short protein forms L695P, L687P, L691P, L572P.
Identifiers: ClinVar variation 2814379 (VCV002814379.3), dbSNP rs1556780761, ClinGen allele CA412668318.

ClinVar aggregate classification (germline): Uncertain significance (1 of 4 stars; one submission).

Conditions:
Duchenne muscular dystrophy (DMD). Also called: MUSCULAR DYSTROPHY, PSEUDOHYPERTROPHIC PROGRESSIVE, DUCHENNE TYPE; Duchenne Muscular Dystrophy (DMD). Identifiers: Orphanet 98896, MedGen C0013264, MONDO:0010679, OMIM 310200.

gnomAD v4.1: 2 of 1,210,305 alleles (0.00017%); highest among the groups gnomAD compares: South Asian, 0.0018%; no homozygotes.

Submission:

Labcorp Genetics (formerly Invitae), Labcorp
Classification: Uncertain significance for Duchenne muscular dystrophy. Last evaluated: 2022-11-15. Review status: criteria provided, single submitter. Criteria: Invitae Variant Classification Sherloc (09022015). Collection method: clinical testing. Allele origin: germline.
Comment: Advanced modeling of protein sequence and biophysical properties (such as structural, functional, and spatial information, amino acid conservation, physicochemical variation, residue mobility, and thermodynamic stability) performed at Invitae indicates that this missense variant is not expected to disrupt DMD protein function. This variant has not been reported in the literature in individuals affected with DMD-related conditions. This variant is not present in population databases (gnomAD no frequency). This sequence change replaces leucine, which is neutral and non-polar, with proline, which is neutral and non-polar, at codon 695 of the DMD protein (p.Leu695Pro). In summary, the available evidence is currently insufficient to determine the role of this variant in disease. Therefore, it has been classified as a Variant of Uncertain Significance.